The following is an entry in ClinVar:

ClinVar aggregate classification (germline): Uncertain significance (1 of 4 stars; one submission).

Conditions:
RAPGEF2-associated neurodevelopmental disorder.

Submission:

Institute of Human Genetics, University of Leipzig Medical Center
Classification: Uncertain significance for RAPGEF2-associated neurodevelopmental disorder. Last evaluated: 2026-07-20. Review status: criteria provided, single submitter. Criteria: ACMG Guidelines, 2015. Collection method: clinical testing. Allele origin: unknown. Inheritance: Autosomal dominant inheritance. Affected: yes.
Comment: Criteria applied: PVS1_MOD,PM2

Literature cited by the submitters: PubMed 41556274.

NM_001394067.2(RAPGEF2):c.675+2T>C

Gene: RAPGEF2 (Rap guanine nucleotide exchange factor 2; plus strand). Cytogenetic location: 4q32.1.
Variant type: single nucleotide variant.
Coding change: c.675+2T>C on transcript NM_001394067.2 (MANE Select); the canonical splice donor site of the intron after coding-DNA position 675, T replaced by C.
Molecular consequence: splice donor variant.
Genome position (GRCh38, 1-based): chr4:159,304,475, T>C. VCF-style: chr4-159304475-T-C. GRCh37 (hg19) VCF-style: chr4-160225627-T-C.
Other names: c.675+2T>C (NM_001351724.5); c.327+2T>C (NM_001351726.3, NM_001351725.2); c.192+2T>C (NM_001351728.4, NM_001351727.4, NM_014247.5).
Identifiers: ClinVar variation 4890691 (VCV004890691.1).